The following is an entry in ClinVar:

NM_000218.3(KCNQ1):c.1726G>A (p.Val576Ile)

Gene: KCNQ1 (potassium voltage-gated channel subfamily Q member 1; plus strand). Cytogenetic location: 11p15.5.
Variant type: single nucleotide variant.
Coding change: c.1726G>A on transcript NM_000218.3 (MANE Select); coding-DNA position 1726, G replaced by A.
Protein change: p.Val576Ile; replaces valine 576 with isoleucine.
Molecular consequence: missense variant.
Genome position (GRCh38, 1-based): chr11:2,777,026, G>A. VCF-style: chr11-2777026-G-A. GRCh37 (hg19) VCF-style: chr11-2798256-G-A.
Other names: p.V576I:GTC>ATC; c.1630G>A, p.Val544Ile (NM_001406836.1); c.1456G>A, p.Val486Ile (NM_001406837.1); c.1186G>A, p.Val396Ile (NM_001406838.1); c.1345G>A, p.Val449Ile (NM_181798.2); short protein forms V449I, V576I, V486I, V544I, V396I.
Identifiers: ClinVar variation 200813 (VCV000200813.27), dbSNP rs750409379, ClinGen allele CA006291.
Genomic context (GRCh38, chr11:2,777,026, plus strand): 5'-GTCTGTGTCCTTCTCTCCAGGCTGGACCAGTCCATTGGGAAGCCCTCACTGTTCATCTCC[G>A]TCTCAGGTGGGTTTCTGTGTCAGTTACTCTGGGCCCAGCAGCCTGCAATGGACTCTCCCG-3'
Protein context (NP_000209.2, residues 566-586): SIGKPSLFIS[Val576Ile]SEKSKDRGSN

ClinVar aggregate classification (germline): Conflicting classifications of pathogenicity. Review status: criteria provided, conflicting classifications (1 of 4 stars). 10 submissions from 10 submitters: Uncertain significance (8); Benign (1); Likely benign (1). Last evaluated 2026-09-09.

Conditions:
KCNQ1-related disorder. Also called: KCNQ1-related condition; KCNQ1-related disorders. Identifiers: MedGen CN239322.
Cardiovascular phenotype. Identifiers: MedGen CN230736.
Cardiac arrhythmia. Also called: Arrhythmia; Cardiac rhythm disease. Identifiers: MedGen C0003811, MONDO:0007263, HP:0011675.
Long QT syndrome 1 (LQT1). Identifiers: Orphanet 101016, Orphanet 768, MedGen C4551647, MONDO:0100316, OMIM 192500, MONDO:0008646.
Atrial fibrillation, familial, 3 (ATFB3). Identifiers: MedGen C1837014, MONDO:0011857, OMIM 607554.
Short QT syndrome type 2. Identifiers: Orphanet 51083, MedGen C1865019, MONDO:0012313, OMIM 609621.
Jervell and Lange-Nielsen syndrome 1 (JLNS1). Also called: PROLONGED QT INTERVAL IN EKG AND SUDDEN DEATH; CARDIOAUDITORY SYNDROME OF JERVELL AND LANGE-NIELSEN; DEAFNESS, CONGENITAL, AND FUNCTIONAL HEART DISEASE; SURDO-CARDIAC SYNDROME. Identifiers: Orphanet 768, Orphanet 90647, MedGen C4551509, MONDO:0024540, OMIM 220400.
Long QT syndrome (LQTS). Identifiers: MedGen C0023976, MeSH D008133, MONDO:0002442. Disease mechanism: loss of function. Inheritance: Various modes of inheritance.

Allele frequency attached by ClinVar (database versions not stated): gnomAD 0.00002; TOPMed 0.00003; gnomAD exomes 0.00006 and 0.00007; ExAC 0.00008.
gnomAD v4.1: 112 of 1,613,946 alleles (0.0069%); highest among the groups gnomAD compares: South Asian, 0.013%; no homozygotes.

Submissions (10):

GeneDx
Classification: Uncertain significance. Last evaluated: 2026-09-09. Review status: criteria provided, single submitter. Criteria: GeneDx Variant Classification Process June 2021. Collection method: clinical testing. Allele origin: germline.
Comment: In silico analysis suggests that this missense variant does not alter protein structure/function; This variant is associated with the following publications: (PMID: 23392653, 23174487, 32048431)

PreventionGenetics, part of Exact Sciences
Classification: Uncertain significance for KCNQ1-related condition. Last evaluated: 2026-06-16. Review status: criteria provided, single submitter. Criteria: ACMG Guidelines, 2015. Collection method: clinical testing. Allele origin: germline.
Comment: The KCNQ1 c.1726G>A variant is predicted to result in the amino acid substitution p.Val576Ile. This variant has been reported in individuals with long QT syndrome (Berge et al. 2008. PubMed ID: 18752142; Table S1, Mullally et al. 2013. PubMed ID: 23174487). This variant has also been reported with another KCNQ1 variant in an individual with long QT syndrome and intact hearing (Giudicessi et al. 2013. PubMed ID: 23392653). This variant is reported in 0.013% of alleles in individuals of South Asian descent in gnomAD. At this time, the clinical significance of this variant is uncertain due to the absence of conclusive functional and genetic evidence.

Labcorp Genetics (formerly Invitae), Labcorp
Classification: Uncertain significance for Long QT syndrome. Last evaluated: 2025-09-17. Review status: criteria provided, single submitter. Criteria: Invitae Variant Classification Sherloc (09022015). Collection method: clinical testing. Allele origin: germline.
Comment: This sequence change replaces valine, which is neutral and non-polar, with isoleucine, which is neutral and non-polar, at codon 576 of the KCNQ1 protein (p.Val576Ile). This variant is present in population databases (rs750409379, gnomAD 0.01%). This missense change has been observed in individual(s) with clinical features of KCNQ1-related conditions (PMID: 18752142, 23174487, 23392653). ClinVar contains an entry for this variant (Variation ID: 200813). An algorithm developed to predict the effect of missense changes on protein structure and function outputs the following: PolyPhen-2: "Benign". The isoleucine amino acid residue is found in multiple mammalian species, which suggests that this missense change does not adversely affect protein function. In summary, the available evidence is currently insufficient to determine the role of this variant in disease. Therefore, it has been classified as a Variant of Uncertain Significance.

Women's Health and Genetics/Laboratory Corporation of America, LabCorp
Classification: Uncertain significance. Last evaluated: 2024-11-15. Review status: criteria provided, single submitter. Criteria: LabCorp Variant Classification Summary - May 2015. Collection method: clinical testing. Allele origin: germline.
Comment: Variant summary: KCNQ1 c.1726G>A (p.Val576Ile) results in a conservative amino acid change located in the KCNQ voltage-gated potassium channel domain (IPR013821) of the encoded protein sequence. Four of five in-silico tools predict a benign effect of the variant on protein function. The variant allele was found at a frequency of 6.4e-05 in 250990 control chromosomes (gnomAD). This frequency is not significantly higher than estimated for a pathogenic variant in KCNQ1 causing Jervell And Lange-Nielsen Syndrome (6.4e-05 vs 0.0024), allowing no conclusion about variant significance. c.1726G>A has been reported in the literature in individuals affected with Long QT Syndrome (Berge_2008, Mullally_2013, Giudicessi_2013). These data do not allow any conclusion about variant significance. To our knowledge, no experimental evidence demonstrating an impact on protein function has been reported. The following publications have been ascertained in the context of this evaluation (PMID: 18752142, 32048431, 23392653, 23174487). ClinVar contains an entry for this variant (Variation ID: 200813). Based on the evidence outlined above, the variant was classified as uncertain significance.

Color Diagnostics, LLC DBA Color Health
Classification: Uncertain significance for Cardiac arrhythmia. Last evaluated: 2024-08-29. Review status: criteria provided, single submitter. Criteria: ACMG Guidelines, 2015. Collection method: clinical testing. Allele origin: germline.
Comment: This missense variant replaces valine with isoleucine at codon 576 of the KCNQ1 protein. Computational prediction is inconclusive regarding the impact of this variant on protein structure and function. To our knowledge, functional studies have not been reported for this variant. This variant has been reported in several individuals with long QT syndrome (PMID: 18752142, 23174487, 23392653). This variant co-occurred with a second KCNQ1 variant in an individual with long QT syndrome and intact hearing whose mother, with a normal QTc interval, carried only this variant (PMID: 23392653). This variant has been identified in 16/250990 chromosomes in the general population by the Genome Aggregation Database (gnomAD). The available evidence is insufficient to determine the role of this variant in disease conclusively. Therefore, this variant is classified as a Variant of Uncertain Significance.

Blueprint Genetics
Classification: Uncertain significance. Last evaluated: 2024-07-05. Review status: criteria provided, single submitter. Criteria: ACMG Guidelines, 2015. Collection method: clinical testing. Allele origin: germline.

Ambry Genetics
Classification: Uncertain significance for Cardiovascular phenotype. Last evaluated: 2023-07-12. Review status: criteria provided, single submitter. Criteria: Ambry Variant Classification Scheme 2023. Collection method: clinical testing. Allele origin: germline.
Comment: The p.V576I variant (also known as c.1726G>A), located in coding exon 14 of the KCNQ1 gene, results from a G to A substitution at nucleotide position 1726. The valine at codon 576 is replaced by isoleucine, an amino acid with highly similar properties, and is located in the C-terminal, cytoplasmic region of the protein. This variant co-occurred with a second KCNQ1 variant in an individual with long QT syndrome and intact hearing whose mother, with a normal QTc interval, carried only the p.V576I variant; however, the father was unavailable for testing (Giudicessi JR et al. Circ Cardiovasc Genet, 2013 Apr;6:193-200). This variant has also been detected in long QT syndrome cohorts; however, details were limited (Mullally J et al. Heart Rhythm, 2013 Mar;10:378-82; Berge KE et al. Scand. J. Clin. Lab. Invest. 2008 ;68(5):362-8). This amino acid position is not well conserved in available vertebrate species. In addition, this alteration is predicted to be deleterious by in silico analysis. Since supporting evidence is limited at this time, the clinical significance of this alteration remains unclear.

New York Genome Center
Classification: Uncertain significance for Long QT syndrome 1; Short QT syndrome type 2; Atrial fibrillation, familial, 3; Jervell and Lange-Nielsen syndrome 1. Last evaluated: 2022-04-06. Review status: criteria provided, single submitter. Criteria: NYGC Assertion Criteria 2020. Collection method: clinical testing. Allele origin: germline. Observed: 1 heterozygote.
Comment: The c.1726G>A p.(Val576Ile) variant in KCNQ1 has previously been reported heterozygous in an individual with long QT syndrome [PMID: 23174487] and compound heterozygous in an individual with Jervell and Lange-Nielsen syndrome without deafness [PMID: 23392653]. This variant has been deposited in ClinVar [ClinVar ID:200813] as Variant of Uncertain Significance, Likely benign, and Benign. The 1726G>A variant is observed in 24 alleles (~0.003% MAF with 0 homozygotes) in population databases (gnomAD v2.1.1 and v3.1.2, TOPMed Freeze 8), suggesting it is not a common benign variant in the populations represented in those databases.The c.1726G>A variant is located in exon 14 of this 16-exon gene and predicted to replace a poorly conserved valine amino acid with isoleucine at position 576. In silico predictions are inconclusive of the variant's effect (CADD v1.6 = 17.03, REVEL = 0.622); however, there are no functional studies to support or refute these predictions. Based on available evidence this c.1726G>A p.(Val576Ile) variant identified in KCNQ1 is classified as a Variant of Uncertain Significance.

Mendelics
Classification: Benign for Long QT syndrome 1. Last evaluated: 2019-05-28. Review status: criteria provided, single submitter. Criteria: Mendelics Assertion Criteria 2017. Collection method: clinical testing. Allele origin: unknown.

Laboratory for Molecular Medicine, Mass General Brigham Personalized Medicine
Classification: Likely benign. Last evaluated: 2015-08-13. Review status: criteria provided, single submitter. Criteria: LMM Criteria. Collection method: clinical testing. Allele origin: germline. Observed: 1 variant allele.
Comment: p.Val576Ile in exon 14 of KCNQ1: This variant is not expected to have clinical s ignificance due to a lack of conservation across species, including mammals. Of note, 13 mammals have an Ile at this position despite high nearby amino acid con servation. In addition, computational prediction tools do not suggest a high lik elihood of impact to the protein. It has also been identified in 5/65838 Europea n chromosomes by the Exome Aggregation Consortium (ExAC). Although this variant has been reported in 2 individuals with LQTS (1 with intact hearing who carried a second likely pathogenic variant) (Mullally 20 13, Giudicessi 2013), based on the lack of conservation at this position, this v ariant is likely benign.

Literature cited by the submitters: PubMed 18752142 (cited by 3 submitters); PubMed 23174487 (cited by 5 submitters); PubMed 23392653 (cited by 5 submitters); PubMed 32048431 (cited by Women's Health and Genetics/Laboratory Corporation of America, LabCorp); PubMed 29197658 (cited by Ambry Genetics).